The following is an entry in ClinVar:

ClinVar aggregate classification (germline): Uncertain significance (1 of 4 stars; one submission).

Conditions:
TLL1-related disorder. Also called: TLL1-related condition.

Allele frequency attached by ClinVar (database versions not stated): TOPMed below 0.00001; ExAC 0.00001.
gnomAD v4.1: 48 of 1,613,950 alleles (0.003%); highest among the groups gnomAD compares: Non-Finnish European, 0.0039%; no homozygotes.

Submission:

PreventionGenetics, part of Exact Sciences
Classification: Uncertain significance for TLL1-related condition. Last evaluated: 2023-05-23. Review status: criteria provided, single submitter. Criteria: ACMG Guidelines, 2015. Collection method: clinical testing. Allele origin: germline.
Comment: The TLL1 c.412G>A variant is predicted to result in the amino acid substitution p.Gly138Arg. To our knowledge, this variant has not been reported in the literature. This variant is reported in 0.0040% of alleles in individuals of African descent in gnomAD. At this time, the clinical significance of this variant is uncertain due to the absence of conclusive functional and genetic evidence.

NM_012464.5(TLL1):c.412G>A (p.Gly138Arg)

Gene: TLL1 (tolloid like 1; plus strand). Cytogenetic location: 4q32.3.
Variant type: single nucleotide variant.
Coding change: c.412G>A on transcript NM_012464.5 (MANE Select); coding-DNA position 412, G replaced by A.
Protein change: p.Gly138Arg; replaces glycine 138 with arginine.
Molecular consequence: missense variant.
Genome position (GRCh38, 1-based): chr4:165,994,431, G>A. VCF-style: chr4-165994431-G-A. GRCh37 (hg19) VCF-style: chr4-166915583-G-A.
Other names: c.412G>A, p.Gly138Arg (NM_001204760.2); short protein forms G138R.
Identifiers: ClinVar variation 2635852 (VCV002635852.1), dbSNP rs780001007, ClinGen allele CA3130601.